The following is an entry in ClinVar:

ClinVar aggregate classification (germline): Pathogenic. Review status: criteria provided, single submitter (1 of 4 stars). 2 submissions from 2 submitters: Pathogenic (1). 1 of the submissions does not count toward it. Last evaluated 2024-12-03.

Submissions (2):

Labcorp Genetics (formerly Invitae), Labcorp
Classification: Pathogenic. Last evaluated: 2024-12-03. Review status: criteria provided, single submitter. Criteria: Invitae Variant Classification Sherloc (09022015). Collection method: clinical testing. Allele origin: germline.
Comment: This sequence change creates a premature translational stop signal (p.Gln361*) in the SERPING1 gene. It is expected to result in an absent or disrupted protein product. Loss-of-function variants in SERPING1 are known to be pathogenic (PMID: 11112899, 24456027). This variant is not present in population databases (gnomAD no frequency). This premature translational stop signal has been observed in individual(s) with hereditary angioedema (PMID: 8792821). This variant is also known as Gln-399 premature termination codon. ClinVar contains an entry for this variant (Variation ID: 2443257). For these reasons, this variant has been classified as Pathogenic.

Genetic Services Laboratory, University of Chicago
Classification: Pathogenic. Last evaluated: 2022-11-11. Review status: no assertion criteria provided. Collection method: clinical testing. Allele origin: germline. Affected: yes. Not counted in ClinVar's aggregate classification.
Comment: DNA sequence analysis of the SERPING1 gene demonstrated a sequence change, c.1081C>T, which results in the creation of a premature stop codon at amino acid position 361, p.Gln361*. This pathogenic sequence change is predicted to result in an abnormal transcript, which may be degraded, or may lead to the production of a truncated SERPING1 protein with potentially abnormal function. This sequence change has not been described in the population databases such as ExAC and gnomAD. This pathogenic sequence change has previously been described in one family with hereditary angioedema (PMID: 8792821) and other truncating variants in the SERPING1 gene have been reporting in individuals with SERPING1-related disorders (PMID: 18586324, 26154504). Heterozygous and biallelic pathogenic variants in SERPING1 are associated with hereditary angioedema [OMIM# 106100]. The SERPING1 cDNA reference sequence used is NM_000062.2.

Literature cited by the submitters: PubMed 11112899 (cited by Labcorp Genetics (formerly Invitae), Labcorp); PubMed 24456027 (cited by Labcorp Genetics (formerly Invitae), Labcorp); PubMed 8792821 (cited by Labcorp Genetics (formerly Invitae), Labcorp).

NM_000062.3(SERPING1):c.1081C>T (p.Gln361Ter)

Gene: SERPING1 (serpin family G member 1; plus strand). Cytogenetic location: 11q12.1.
Variant type: single nucleotide variant.
Coding change: c.1081C>T on transcript NM_000062.3 (MANE Select); coding-DNA position 1081, C replaced by T.
Protein change: p.Gln361Ter; replaces glutamine 361 with a stop codon.
Molecular consequence: nonsense.
Genome position (GRCh38, 1-based): chr11:57,611,768, C>T. VCF-style: chr11-57611768-C-T. GRCh37 (hg19) VCF-style: chr11-57379241-C-T.
Other names: c.1081C>T, p.Gln361Ter (NM_001032295.2); short protein forms Q361*.
Identifiers: ClinVar variation 2443257 (VCV002443257.4), dbSNP rs2495452285, ClinGen allele CA380702563.